The following is an entry in ClinVar:

NM_004304.5(ALK):c.3362G>A (p.Gly1121Asp)

Gene: ALK (ALK receptor tyrosine kinase; minus strand). Cytogenetic location: 2p23.2.
Variant type: single nucleotide variant.
Coding change: c.3362G>A on transcript NM_004304.5 (MANE Select); coding-DNA position 3362, G replaced by A.
Protein change: p.Gly1121Asp; replaces glycine 1121 with aspartic acid.
Molecular consequence: missense variant.
Genome position (GRCh38, 1-based): chr2:29,222,605, C>T on the plus strand (G>A on the coding strand, the complement: ALK is on the minus strand). VCF-style: chr2-29222605-C-T. GRCh37 (hg19) VCF-style: chr2-29445471-C-T.
Other names: c.158G>A, p.Gly53Asp (NM_001353765.2); short protein forms G1121D, G53D.
Identifiers: ClinVar variation 404380 (VCV000404380.23), dbSNP rs55760835, ClinGen allele CA1593974.

ClinVar aggregate classification (germline): Conflicting classifications of pathogenicity. Review status: criteria provided, conflicting classifications (1 of 4 stars). 6 submissions from 6 submitters: Uncertain significance (5); Likely benign (1). Last evaluated 2026-01-31.

Conditions:
Hereditary cancer-predisposing syndrome. Also called: Tumor predisposition; Neoplastic Syndromes, Hereditary; Hereditary Cancer Syndrome; Hereditary neoplastic syndrome. Identifiers: Orphanet 140162, MedGen C0027672, MeSH D009386, MONDO:0015356.
Neuroblastoma, susceptibility to, 3. Also called: ALK-Related Neuroblastic Tumor Susceptibility. Identifiers: Orphanet 635, MedGen C2751681, MONDO:0013083, OMIM 613014.

Allele frequency attached by ClinVar (database versions not stated): ExAC 0.00006; gnomAD exomes 0.00008; TOPMed 0.00013; ESP Exome Variant Server 0.00031.
gnomAD v4.1: 342 of 1,613,438 alleles (0.021%); highest among the groups gnomAD compares: Non-Finnish European, 0.028%; no homozygotes.

Submissions (6):

Labcorp Genetics (formerly Invitae), Labcorp
Classification: Uncertain significance for Neuroblastoma, susceptibility to, 3. Last evaluated: 2026-01-31. Review status: criteria provided, single submitter. Criteria: Invitae Variant Classification Sherloc (09022015). Collection method: clinical testing. Allele origin: germline.
Comment: This sequence change replaces glycine, which is neutral and non-polar, with aspartic acid, which is acidic and polar, at codon 1121 of the ALK protein (p.Gly1121Asp). This variant is present in population databases (rs55760835, gnomAD 0.02%). This missense change has been observed in individual(s) with pheochromocytoma or paraganglioma (PMID: 29625052, 36451132). ClinVar contains an entry for this variant (Variation ID: 404380). An algorithm developed to predict the effect of missense changes on protein structure and function (PolyPhen-2) suggests that this variant is likely to be disruptive. In summary, the available evidence is currently insufficient to determine the role of this variant in disease. Therefore, it has been classified as a Variant of Uncertain Significance.

St. Jude Molecular Pathology, St. Jude Children's Research Hospital
Classification: Uncertain significance for Neuroblastoma, susceptibility to, 3. Last evaluated: 2024-03-07. Review status: criteria provided, single submitter. Criteria: St. Jude Assertion Criteria 2020. Collection method: clinical testing. Allele origin: germline.

GeneDx
Classification: Uncertain significance. Last evaluated: 2024-02-20. Review status: criteria provided, single submitter. Criteria: GeneDx Variant Classification Process June 2021. Collection method: clinical testing. Allele origin: germline. Affected: yes.
Comment: In silico analysis supports that this missense variant has a deleterious effect on protein structure/function; Observed in individual(s) with pheochromocytoma or paraganglioma and in an individual with breast and/or ovarian cancer (PMID: 27153395, 29625052, 36451132); This variant is associated with the following publications: (PMID: 28873162, 36451132, 27153395, 29625052)

Baylor Genetics
Classification: Uncertain significance for Neuroblastoma, susceptibility to, 3. Last evaluated: 2024-01-16. Review status: criteria provided, single submitter. Criteria: ACMG Guidelines, 2015. Collection method: clinical testing. Allele origin: unknown.

Ambry Genetics
Classification: Likely benign for Hereditary cancer-predisposing syndrome. Last evaluated: 2022-02-25. Review status: criteria provided, single submitter. Criteria: Ambry Variant Classification Scheme 2023. Collection method: clinical testing. Allele origin: germline.

Illumina Laboratory Services, Illumina
Classification: Uncertain significance for Neuroblastoma, susceptibility to, 3. Last evaluated: 2018-01-13. Review status: criteria provided, single submitter. Criteria: ICSL Variant Classification Criteria 13 December 2019. Collection method: clinical testing. Allele origin: germline.

Literature cited by the submitters: PubMed 29625052 (cited by Labcorp Genetics (formerly Invitae), Labcorp); PubMed 36451132 (cited by Labcorp Genetics (formerly Invitae), Labcorp); PubMed 27153395 (cited by Ambry Genetics).